The following is an entry in ClinVar:

NM_016239.4(MYO15A):c.4482+1G>A

Gene: MYO15A (myosin XVA; plus strand). Cytogenetic location: 17p11.2.
Variant type: single nucleotide variant.
Coding change: c.4482+1G>A on transcript NM_016239.4 (MANE Select); the canonical splice donor site of the intron after coding-DNA position 4482, G replaced by A.
Molecular consequence: splice donor variant.
Genome position (GRCh38, 1-based): chr17:18,133,387, G>A. VCF-style: chr17-18133387-G-A. GRCh37 (hg19) VCF-style: chr17-18036701-G-A.
Identifiers: ClinVar variation 3601339 (VCV003601339.1).

ClinVar aggregate classification (germline): Pathogenic (1 of 4 stars; one submission).

Conditions:
Autosomal recessive nonsyndromic hearing loss 3. Also called: NEUROSENSORY NONSYNDROMIC RECESSIVE DEAFNESS 3. Identifiers: Orphanet 90636, MedGen C1838263, MONDO:0010860, OMIM 600316.

gnomAD v4.1: 2 of 1,613,864 alleles (0.00012%); highest among the groups gnomAD compares: Non-Finnish European, 0.00017%; no homozygotes.

Submission:

Institute of Rare Diseases, West China Hospital, Sichuan University
Classification: Pathogenic for Autosomal recessive nonsyndromic hearing loss 3. Last evaluated: 2025-01-09. Review status: criteria provided, single submitter. Criteria: ClinGen HL ACMG Specifications v1. Collection method: research. Allele origin: germline. Affected: yes.
Comment: PVS1;PM3;PM2_Supporting